The following is an entry in ClinVar:

NM_006323.5(SEC24B):c.2999T>A (p.Leu1000Ter)

Gene: SEC24B (SEC24 homolog B, COPII coat complex component; plus strand). Cytogenetic location: 4q25.
Variant type: single nucleotide variant.
Coding change: c.2999T>A on transcript NM_006323.5 (MANE Select); coding-DNA position 2999, T replaced by A.
Protein change: p.Leu1000Ter; replaces leucine 1000 with a stop codon.
Molecular consequence: nonsense.
Genome position (GRCh38, 1-based): chr4:109,527,355, T>A. VCF-style: chr4-109527355-T-A. GRCh37 (hg19) VCF-style: chr4-110448511-T-A.
Other names: c.2894T>A, p.Leu965Ter (NM_001042734.4); c.3089T>A, p.Leu1030Ter (NM_001300813.3); c.2996T>A, p.Leu999Ter (NM_001318085.2); c.2891T>A, p.Leu964Ter (NM_001318086.2); short protein forms L1000*, L1030*, L964*, L965*, L999*.
Identifiers: ClinVar variation 2505178 (VCV002505178.1), dbSNP rs2530209057, ClinGen allele CA357864243.

ClinVar aggregate classification (germline): Uncertain significance (1 of 4 stars; one submission).

Submission:

Greenwood Genetic Center Diagnostic Laboratories, Greenwood Genetic Center
Classification: Uncertain significance. Last evaluated: 2023-02-16. Review status: criteria provided, single submitter. Criteria: ACMG Guidelines, 2015. Collection method: clinical testing. Allele origin: germline. Affected: yes.
Comment: Gene of Uncertain Significance